The following is an entry in ClinVar:

ClinVar aggregate classification (germline): Likely pathogenic (1 of 4 stars; one submission).

Submission:

Labcorp Genetics (formerly Invitae), Labcorp
Classification: Likely pathogenic. Last evaluated: 2022-08-12. Review status: criteria provided, single submitter. Criteria: Invitae Variant Classification Sherloc (09022015). Collection method: clinical testing. Allele origin: germline.
Comment: This variant results in a copy number gain of the genomic region encompassing exon(s) 10-24 of the PHIP gene. While the exact position of this variant cannot be determined from the data, sub-genic copy number gains are generally in tandem (PMID: 25640679). This variant is predicted to be out-of-frame, and may result in an absent or disrupted protein product. Loss-of-function variants in PHIP are known to be pathogenic (PMID: 27900362). In summary, the currently available evidence indicates that the variant is pathogenic, but additional data are needed to prove that conclusively. Therefore, this variant has been classified as Likely Pathogenic. This variant has not been reported in the literature in individuals affected with PHIP-related conditions.

Literature cited by the submitters: PubMed 25640679; PubMed 27900362.

NC_000006.11:g.(?_79688289)_(79728896_?)dup

Gene: PHIP (pleckstrin homology domain interacting protein; minus strand). Cytogenetic location: 6q14.1.
Variant type: Duplication.
Identifiers: ClinVar variation 2426414 (VCV002426414.4).